The following is an entry in ClinVar:

ClinVar aggregate classification (germline): Likely benign. Review status: criteria provided, multiple submitters, no conflicts (2 of 4 stars). 2 submissions from 2 submitters: Likely benign (2). Last evaluated 2026-04-01.

Allele frequency attached by ClinVar (database versions not stated): gnomAD exomes below 0.00001; TOPMed below 0.00001; ExAC 0.00001; gnomAD 0.00001.
gnomAD v4.1: 4 of 1,613,940 alleles (0.00025%); highest among the groups gnomAD compares: Admixed American, 0.0033%; no homozygotes.

Submissions (2):

CeGaT Center for Human Genetics Tuebingen
Classification: Likely benign. Last evaluated: 2026-04-01. Review status: criteria provided, single submitter. Criteria: CeGaT Center For Human Genetics Tuebingen Variant Classification Criteria Version 2. Collection method: clinical testing. Allele origin: germline. Affected: yes. Observed: 1 variant allele.
Comment: AMPD2: BP4, BP7

Labcorp Genetics (formerly Invitae), Labcorp
Classification: Likely benign. Last evaluated: 2017-09-22. Review status: criteria provided, single submitter. Criteria: Invitae Variant Classification Sherloc (09022015). Collection method: clinical testing. Allele origin: germline.

NM_001368809.2(AMPD2):c.297T>C (p.Ile99=)

Gene: AMPD2 (adenosine monophosphate deaminase 2; plus strand). Cytogenetic location: 1p13.3.
Variant type: single nucleotide variant.
Coding change: c.297T>C on transcript NM_001368809.2 (MANE Select); coding-DNA position 297, T replaced by C.
Protein change: p.Ile99=; no amino-acid change (isoleucine 99 retained).
Molecular consequence: synonymous variant.
Genome position (GRCh38, 1-based): chr1:109,625,736, T>C. VCF-style: chr1-109625736-T-C. GRCh37 (hg19) VCF-style: chr1-110168358-T-C.
Other names: c.105T>C, p.Ile35= (NM_001257361.2); c.234T>C, p.Ile78= (NM_001308170.1); c.297T>C, p.Ile99= (NM_004037.9); c.216T>C, p.Ile72= (NM_139156.4); c.459T>C (NM_001257360.1).
Identifiers: ClinVar variation 714079 (VCV000714079.5), dbSNP rs769379663, ClinGen allele CA992750.